The following is an entry in ClinVar:

ClinVar aggregate classification (germline): Pathogenic/Likely pathogenic. Review status: criteria provided, multiple submitters, no conflicts (2 of 4 stars). 3 submissions from 3 submitters: Pathogenic (2); Likely pathogenic (1). Last evaluated 2024-08-01.

Conditions:
Cardiovascular phenotype. Identifiers: MedGen CN230736.
Hereditary cancer-predisposing syndrome. Also called: Neoplastic Syndromes, Hereditary; Tumor predisposition; Hereditary Cancer Syndrome; Hereditary neoplastic syndrome. Identifiers: Orphanet 140162, MedGen C0027672, MeSH D009386, MONDO:0015356.
LZTR1-related schwannomatosis. Also called: Schwannomatosis 2; Schwannomatosis-2, susceptibility to. Identifiers: Orphanet 93921, MedGen C3810283, MONDO:0014299, OMIM 615670.

Submissions (3):

Ambry Genetics
Classification: Pathogenic for Cardiovascular phenotype; Hereditary cancer-predisposing syndrome. Last evaluated: 2024-08-01. Review status: criteria provided, single submitter. Criteria: Ambry Variant Classification Scheme 2023. Collection method: clinical testing. Allele origin: germline.
Comment: The c.1863_1897del35 pathogenic mutation, located in coding exon 16 of the LZTR1 gene, results from a deletion of 35 nucleotides at nucleotide positions 1863 to 1897, causing a translational frameshift with a predicted alternate stop codon (p.S622Afs*35). This alteration is expected to result in loss of function by premature protein truncation or nonsense-mediated mRNA decay. Loss-of-function variants in LZTR1 are related to an increased risk for schwannomas and autosomal recessive Noonan syndrome; however, such associations with autosomal dominant Noonan syndrome have not been observed (Piotrowski A et al. Nat Genet. 2014 Feb;46:182-7; Yamamoto GL et al. J Med Genet. 2015 Jun;52:413-21; Johnston JJ et al. Genet Med. 2018 10;20:1175-1185). Based on the supporting evidence, this variant is pathogenic for an increased risk of LZTR1-related schwannomatosis (SWN) and would be expected to cause autosomal recessive Noonan syndrome when present along with a second pathogenic or likely pathogenic variant on the other allele; however, the association of this alteration with autosomal dominant Noonan syndrome is unlikely.

Labcorp Genetics (formerly Invitae), Labcorp
Classification: Pathogenic. Last evaluated: 2024-06-11. Review status: criteria provided, single submitter. Criteria: Invitae Variant Classification Sherloc (09022015). Collection method: clinical testing. Allele origin: germline.
Comment: This sequence change creates a premature translational stop signal (p.Ser622Alafs*35) in the LZTR1 gene. It is expected to result in an absent or disrupted protein product. Loss-of-function variants in LZTR1 are known to be pathogenic (PMID: 24362817, 25335493, 25480913, 25795793, 29469822, 30368668, 30442762, 30442766, 30481304, 30859559). This variant is not present in population databases (gnomAD no frequency). This variant has not been reported in the literature in individuals affected with LZTR1-related conditions. For these reasons, this variant has been classified as Pathogenic.

Baylor Genetics
Classification: Likely pathogenic for LZTR1-related schwannomatosis. Last evaluated: 2023-01-24. Review status: criteria provided, single submitter. Criteria: ACMG Guidelines, 2015. Collection method: clinical testing. Allele origin: unknown.

Literature cited by the submitters: PubMed 24362817 (cited by Labcorp Genetics (formerly Invitae), Labcorp); PubMed 25335493 (cited by Labcorp Genetics (formerly Invitae), Labcorp); PubMed 25480913 (cited by Labcorp Genetics (formerly Invitae), Labcorp); PubMed 25795793 (cited by Labcorp Genetics (formerly Invitae), Labcorp); PubMed 29469822 (cited by Labcorp Genetics (formerly Invitae), Labcorp); PubMed 30368668 (cited by Labcorp Genetics (formerly Invitae), Labcorp); PubMed 30442762 (cited by Labcorp Genetics (formerly Invitae), Labcorp); PubMed 30442766 (cited by Labcorp Genetics (formerly Invitae), Labcorp); PubMed 30481304 (cited by Labcorp Genetics (formerly Invitae), Labcorp); PubMed 30859559 (cited by Labcorp Genetics (formerly Invitae), Labcorp).

NM_006767.4(LZTR1):c.1863_1897del (p.Ser622fs)

Gene: LZTR1 (leucine zipper like post translational regulator 1; plus strand). Cytogenetic location: 22q11.21.
Variant type: Deletion.
Coding change: c.1863_1897del on transcript NM_006767.4 (MANE Select); coding-DNA positions 1863 to 1897, 35 bases deleted.
Protein change: p.Ser622fs; shifts the reading frame from serine 622.
Molecular consequence: frameshift variant.
Genome position (GRCh38, 1-based): chr22:20,994,947-20,994,981, 35 bases deleted; deleting any 35 consecutive bases within chr22:20,994,946-20,994,981 gives the same sequence; the c. name uses the placement nearest the transcript's 3' end. GRCh37 (hg19): chr22:21,349,236-21,349,270.
Other names: c.1863_1897del35 (NM_006767.3); short protein forms S622fs.
Identifiers: ClinVar variation 2676415 (VCV002676415.4), dbSNP rs1434483881, ClinGen allele CA751567280.
Genomic context (GRCh38, chr22:20,994,945, plus strand): 5'-TTCGTGGTAAAGGAGTCCCACTTCAACCAGGTGATCATGATGAAGGAGTTCGAGCGCCTC[TCCTCTCCACTGATAGTGGAGATTGTGCGGCGGAAG>T]CAGCAGCCGCCCCCTCGCACTCCCTTGGACCAGCCAGTGGACATTGGTAGGGAGCCCCGT-3'